The following is an entry in ClinVar:

NM_001114753.3(ENG):c.1695T>A (p.His565Gln)

Genes: ENG (endoglin; minus strand), LOC102723566 (uncharacterized LOC102723566; plus strand). Cytogenetic location: 9q34.11.
Variant type: single nucleotide variant.
Coding change: c.1695T>A on transcript NM_001114753.3 (MANE Select); coding-DNA position 1695, T replaced by A.
Protein change: p.His565Gln; replaces histidine 565 with glutamine.
Molecular consequence: missense variant. On other transcripts: non-coding transcript variant (1).
Genome position (GRCh38, 1-based): chr9:127,817,195, A>T on the plus strand (T>A on the coding strand, the complement: ENG is on the minus strand). VCF-style: chr9-127817195-A-T. GRCh37 (hg19) VCF-style: chr9-130579474-A-T.
Other names: c.1695T>A, p.His565Gln (NM_000118.4); c.1149T>A, p.His383Gln (NM_001278138.2); c.1695T>A (NM_001114753.1); short protein forms H383Q, H565Q.
Identifiers: ClinVar variation 1054030 (VCV001054030.9), dbSNP rs750637713, ClinGen allele CA374973735.

ClinVar aggregate classification (germline): Uncertain significance. Review status: criteria provided, multiple submitters, no conflicts (2 of 4 stars). 2 submissions from 2 submitters: Uncertain significance (2). Last evaluated 2026-06-02.

Conditions:
Hereditary hemorrhagic telangiectasia (HHT). Also called: Osler hemorrhagic telangiectasia syndrome; ORW DISEASE; Osler Weber Rendu syndrome; OSLER-RENDU-WEBER DISEASE. Identifiers: Orphanet 774, MedGen C0039445, MONDO:0019180. Disease mechanism: loss of function.
Cardiovascular phenotype. Identifiers: MedGen CN230736.

Submissions (2):

Ambry Genetics
Classification: Uncertain significance for Cardiovascular phenotype. Last evaluated: 2026-06-02. Review status: criteria provided, single submitter. Criteria: Ambry Variant Classification Scheme 2023. Collection method: clinical testing. Allele origin: germline.
Comment: The p.H565Q variant (also known as c.1695T>A), located in coding exon 13 of the ENG gene, results from a T to A substitution at nucleotide position 1695. The histidine at codon 565 is replaced by glutamine, an amino acid with highly similar properties. This amino acid position is conserved. In addition, this alteration is predicted to be tolerated by in silico analysis. Based on the available evidence, the clinical significance of this variant remains unclear.

Labcorp Genetics (formerly Invitae), Labcorp
Classification: Uncertain significance for Hereditary hemorrhagic telangiectasia. Last evaluated: 2021-10-09. Review status: criteria provided, single submitter. Criteria: Invitae Variant Classification Sherloc (09022015). Collection method: clinical testing. Allele origin: germline.
Comment: This variant has not been reported in the literature in individuals affected with ENG-related conditions. In summary, the available evidence is currently insufficient to determine the role of this variant in disease. Therefore, it has been classified as a Variant of Uncertain Significance. Advanced modeling of protein sequence and biophysical properties (such as structural, functional, and spatial information, amino acid conservation, physicochemical variation, residue mobility, and thermodynamic stability) performed at Invitae indicates that this missense variant is not expected to disrupt ENG protein function. ClinVar contains an entry for this variant (Variation ID: 1054030). This variant is not present in population databases (ExAC no frequency). This sequence change replaces histidine with glutamine at codon 565 of the ENG protein (p.His565Gln). The histidine residue is weakly conserved and there is a small physicochemical difference between histidine and glutamine.